The following is an entry in ClinVar:

NM_006118.4(HAX1):c.725G>A (p.Arg242Gln)

Gene: HAX1 (HCLS1 associated protein X-1; plus strand). Cytogenetic location: 1q21.3.
Variant type: single nucleotide variant.
Coding change: c.725G>A on transcript NM_006118.4 (MANE Select); coding-DNA position 725, G replaced by A.
Protein change: p.Arg242Gln; replaces arginine 242 with glutamine.
Molecular consequence: missense variant.
Genome position (GRCh38, 1-based): chr1:154,275,454, G>A. VCF-style: chr1-154275454-G-A. GRCh37 (hg19) VCF-style: chr1-154247930-G-A.
Other names: c.581G>A, p.Arg194Gln (NM_001018837.2); short protein forms R242Q, R194Q.
Identifiers: ClinVar variation 636401 (VCV000636401.5), dbSNP rs763822514, ClinGen allele CA1127450.

ClinVar aggregate classification (germline): Uncertain significance. Review status: criteria provided, multiple submitters, no conflicts (2 of 4 stars). 3 submissions from 3 submitters: Uncertain significance (3). Last evaluated 2024-10-04.

Conditions:
Kostmann syndrome (SCN3). Also called: KOSTMANN DISEASE; Autosomal recessive severe congenital neutropenia type 3. Identifiers: Orphanet 99749, MedGen C5235141, MONDO:0012548, OMIM 610738.
Inborn genetic diseases. Identifiers: MedGen C0950123, MeSH D030342.

Allele frequency attached by ClinVar (database versions not stated): gnomAD 0.00006 and 0.00005; TOPMed 0.00008; gnomAD exomes 0.00012; ExAC 0.00015.
gnomAD v4.1: 97 of 1,613,970 alleles (0.006%); highest among the groups gnomAD compares: Admixed American, 0.04%; no homozygotes.

Submissions (3):

Ambry Genetics
Classification: Uncertain significance for Inborn genetic diseases. Last evaluated: 2024-10-04. Review status: criteria provided, single submitter. Criteria: Ambry Variant Classification Scheme 2023. Collection method: clinical testing. Allele origin: germline.
Comment: The p.R242Q variant (also known as c.725G>A), located in coding exon 6 of the HAX1 gene, results from a G to A substitution at nucleotide position 725. The arginine at codon 242 is replaced by glutamine, an amino acid with highly similar properties. This amino acid position is conserved. In addition, this alteration is predicted to be tolerated by in silico analysis. Based on the available evidence, the clinical significance of this variant remains unclear.

Blueprint Genetics
Classification: Uncertain significance. Last evaluated: 2023-09-13. Review status: criteria provided, single submitter. Criteria: ACMG Guidelines, 2015. Collection method: clinical testing. Allele origin: germline.

Labcorp Genetics (formerly Invitae), Labcorp
Classification: Uncertain significance for Kostmann syndrome. Last evaluated: 2022-10-17. Review status: criteria provided, single submitter. Criteria: Invitae Variant Classification Sherloc (09022015). Collection method: clinical testing. Allele origin: germline.
Comment: This sequence change replaces arginine, which is basic and polar, with glutamine, which is neutral and polar, at codon 242 of the HAX1 protein (p.Arg242Gln). This variant is present in population databases (rs763822514, gnomAD 0.06%). This variant has not been reported in the literature in individuals affected with HAX1-related conditions. ClinVar contains an entry for this variant (Variation ID: 636401). Advanced modeling of protein sequence and biophysical properties (such as structural, functional, and spatial information, amino acid conservation, physicochemical variation, residue mobility, and thermodynamic stability) performed at Invitae indicates that this missense variant is not expected to disrupt HAX1 protein function. In summary, the available evidence is currently insufficient to determine the role of this variant in disease. Therefore, it has been classified as a Variant of Uncertain Significance.